The following is an entry in ClinVar:

NM_001735.3(C5):c.1496A>G (p.Tyr499Cys)

Gene: C5 (complement C5; minus strand). Cytogenetic location: 9q33.2.
Variant type: single nucleotide variant.
Coding change: c.1496A>G on transcript NM_001735.3 (MANE Select); coding-DNA position 1496, A replaced by G.
Protein change: p.Tyr499Cys; replaces tyrosine 499 with cysteine.
Molecular consequence: missense variant.
Genome position (GRCh38, 1-based): chr9:121,019,986, T>C on the plus strand (A>G on the coding strand, the complement: C5 is on the minus strand). VCF-style: chr9-121019986-T-C. GRCh37 (hg19) VCF-style: chr9-123782264-T-C.
Other names: c.1514A>G, p.Tyr505Cys (NM_001317163.2); c.1496A>G, p.Tyr499Cys (NM_001317164.2); short protein forms Y499C, Y505C.
Identifiers: ClinVar variation 1365917 (VCV001365917.8), dbSNP rs2131769304, ClinGen allele CA374750691.

ClinVar aggregate classification (germline): Uncertain significance (1 of 4 stars; one submission).

Allele frequency attached by ClinVar (database versions not stated): gnomAD exomes below 0.00001.
gnomAD v4.1: 2 of 1,584,164 alleles (0.00013%); highest among the groups gnomAD compares: Non-Finnish European, 0.000087%; no homozygotes.

Submission:

Labcorp Genetics (formerly Invitae), Labcorp
Classification: Uncertain significance. Last evaluated: 2022-08-31. Review status: criteria provided, single submitter. Criteria: Invitae Variant Classification Sherloc (09022015). Collection method: clinical testing. Allele origin: germline.
Comment: This sequence change replaces tyrosine, which is neutral and polar, with cysteine, which is neutral and slightly polar, at codon 499 of the C5 protein (p.Tyr499Cys). This variant is not present in population databases (gnomAD no frequency). This variant has not been reported in the literature in individuals affected with C5-related conditions. ClinVar contains an entry for this variant (Variation ID: 1365917). Algorithms developed to predict the effect of missense changes on protein structure and function (SIFT, PolyPhen-2, Align-GVGD) all suggest that this variant is likely to be disruptive. In summary, the available evidence is currently insufficient to determine the role of this variant in disease. Therefore, it has been classified as a Variant of Uncertain Significance.